The following is an entry in ClinVar:

NM_032608.7(MYO18B):c.6940G>A (p.Glu2314Lys)

Gene: MYO18B (myosin XVIIIB; plus strand). Cytogenetic location: 22q12.1.
Variant type: single nucleotide variant.
Coding change: c.6940G>A on transcript NM_032608.7 (MANE Select); coding-DNA position 6940, G replaced by A.
Protein change: p.Glu2314Lys; replaces glutamic acid 2314 with lysine.
Molecular consequence: missense variant.
Genome position (GRCh38, 1-based): chr22:26,026,914, G>A. VCF-style: chr22-26026914-G-A. GRCh37 (hg19) VCF-style: chr22-26422880-G-A.
Other names: c.6940G>A (NM_032608.5); c.6943G>A, p.Glu2315Lys (NM_001318245.2); short protein forms E2314K, E2315K.
Identifiers: ClinVar variation 1351930 (VCV001351930.8), dbSNP rs746867546, ClinGen allele CA10161652.
Genomic context (GRCh38, chr22:26,026,914, plus strand): 5'-GCTGGCAGTGACGAGGGAAACCTCTCGCTGAGGGTTGGGGCAAAGTCACCCCTGGAAATC[G>A]AAGGGGCCGCTGGTGGTCTCTTGAGGTCCACCAGCCTCAAATGCATCTCTTCAGACGGTG-3'
Protein context (NP_115997.5, residues 2304-2324): RVGAKSPLEI[Glu2314Lys]GAAGGLLRST

ClinVar aggregate classification (germline): Uncertain significance. Review status: criteria provided, multiple submitters, no conflicts (2 of 4 stars). 3 submissions from 3 submitters: Uncertain significance (3). Last evaluated 2025-05-05.

Conditions:
Klippel-Feil anomaly-myopathy-facial dysmorphism syndrome. Also called: Klippel-Feil syndrome 4, autosomal recessive, with myopathy and facial dysmorphism; Klippel-feil syndrome 4, autosomal recessive, with nemaline myopathy and facial dysmorphism. Identifiers: Orphanet 447974, MedGen C4225285, MONDO:0014689, OMIM 616549.
Inborn genetic diseases. Identifiers: MedGen C0950123, MeSH D030342.

Allele frequency attached by ClinVar (database versions not stated): ExAC 0.00001; gnomAD exomes 0.00002.
gnomAD v4.1: 8 of 1,609,460 alleles (0.0005%); highest among the groups gnomAD compares: East Asian, 0.011%; no homozygotes.

Submissions (3):

Ambry Genetics
Classification: Uncertain significance for Inborn genetic diseases. Last evaluated: 2025-05-05. Review status: criteria provided, single submitter. Criteria: Ambry Variant Classification Scheme 2023. Collection method: clinical testing. Allele origin: germline.

Labcorp Genetics (formerly Invitae), Labcorp
Classification: Uncertain significance. Last evaluated: 2024-02-24. Review status: criteria provided, single submitter. Criteria: Invitae Variant Classification Sherloc (09022015). Collection method: clinical testing. Allele origin: germline.
Comment: This sequence change replaces glutamic acid with lysine at codon 2314 of the MYO18B protein (p.Glu2314Lys). The glutamic acid residue is weakly conserved and there is a small physicochemical difference between glutamic acid and lysine. This variant is present in population databases (rs746867546, gnomAD 0.02%). This variant has not been reported in the literature in individuals affected with MYO18B-related conditions. ClinVar contains an entry for this variant (Variation ID: 1351930). An algorithm developed to predict the effect of missense changes on protein structure and function (PolyPhen-2) suggests that this variant is likely to be tolerated. In summary, the available evidence is currently insufficient to determine the role of this variant in disease. Therefore, it has been classified as a Variant of Uncertain Significance.

Revvity Omics, Revvity
Classification: Uncertain significance for Klippel-Feil anomaly-myopathy-facial dysmorphism syndrome. Last evaluated: 2024-02-12. Review status: criteria provided, single submitter. Criteria: ACMG Guidelines, 2015. Collection method: clinical testing. Allele origin: germline.